The following is an entry in ClinVar:

ClinVar aggregate classification (germline): Uncertain significance (1 of 4 stars; one submission).

Allele frequency attached by ClinVar (database versions not stated): gnomAD exomes below 0.00001; gnomAD 0.00001; TOPMed 0.00001.
gnomAD v4.1: 2 of 1,612,998 alleles (0.00012%); highest among the groups gnomAD compares: Non-Finnish European, 0.00017%; no homozygotes.

Submission:

Labcorp Genetics (formerly Invitae), Labcorp
Classification: Uncertain significance. Last evaluated: 2019-03-12. Review status: criteria provided, single submitter. Criteria: Invitae Variant Classification Sherloc (09022015). Collection method: clinical testing. Allele origin: germline.
Comment: In summary, the available evidence is currently insufficient to determine the role of this variant in disease. Therefore, it has been classified as a Variant of Uncertain Significance. Algorithms developed to predict the effect of missense changes on protein structure and function (SIFT, PolyPhen-2, Align-GVGD) all suggest that this variant is likely to be disruptive, but these predictions have not been confirmed by published functional studies and their clinical significance is uncertain. This variant has not been reported in the literature in individuals with STT3A-related disease. This variant is not present in population databases (ExAC no frequency). This sequence change replaces glycine with alanine at codon 272 of the STT3A protein (p.Gly272Ala). The glycine residue is highly conserved and there is a small physicochemical difference between glycine and alanine.

NM_152713.5(STT3A):c.815G>C (p.Gly272Ala)

Gene: STT3A (STT3 oligosaccharyltransferase complex catalytic subunit A; plus strand). Cytogenetic location: 11q24.2.
Variant type: single nucleotide variant.
Coding change: c.815G>C on transcript NM_152713.5 (MANE Select); coding-DNA position 815, G replaced by C.
Protein change: p.Gly272Ala; replaces glycine 272 with alanine.
Molecular consequence: missense variant.
Genome position (GRCh38, 1-based): chr11:125,608,143, G>C. VCF-style: chr11-125608143-G-C. GRCh37 (hg19) VCF-style: chr11-125478038-G-C.
Other names: c.815G>C, p.Gly272Ala (NM_001278503.2); c.539G>C, p.Gly180Ala (NM_001278504.2); short protein forms G272A, G180A.
Identifiers: ClinVar variation 864403 (VCV000864403.9), dbSNP rs1382914261, ClinGen allele CA383184600.